The following is an entry in ClinVar:

ClinVar aggregate classification (germline): Pathogenic. Review status: criteria provided, single submitter (1 of 4 stars). 3 submissions from 3 submitters: Pathogenic (1). 2 of the submissions do not count toward it. Last evaluated 2020-05-29.

Conditions:
Intellectual developmental disorder, X-linked 106. Also called: Intellectual disability, X-linked 106; Mental retardation, X-linked 106. Identifiers: MedGen C4478379, MONDO:0030907, OMIM 300997.

Submissions (3):

Broad Center for Mendelian Genomics, Broad Institute of MIT and Harvard
Classification: Pathogenic for Intellectual developmental disorder, X-linked 106. Last evaluated: 2020-05-29. Review status: criteria provided, single submitter. Criteria: ACMG Guidelines, 2015. Collection method: research. Allele origin: germline. Inheritance: X-linked inheritance.
Comment: Trio genome analysis showed this variant to be de novo, and was absent from large population studies. This variant has also been reported in ClinVar (Variation ID#: 691611) as pathogenic by Daan van Aalten Lab,University of Dundee. In vitro functional studies provide some evidence that the p.Asn648Tyr variant may slightly impact protein function (PMID: 31627256). However, these types of assays may not accurately represent biological function. Computational prediction tools and conservation analyses do not provide strong support for or against an impact to the protein. The p.Asn648Tyr variant is located in a region of OGT that is essential to protein folding and stability, suggesting that this variant is in a functional domain and supports pathogenicity (PMID: 31627256). The number of missense variants reported in OGT in the general population is lower than expected, suggesting there is little benign variation in this gene and slightly increasing the possibility that a missense variant in this gene may not be tolerated. Furthermore, although this gene has been reported in association with x-linked intellectual disability, it currently has limited/moderate evidence for these associations. In summary, this variant meets criteria to be classified as pathogenic for x-linked intellectual disability in an autosomal recessive manner based on an individual with the disease and a de novo variant in this gene, absence of this variant from the general population, and functional assays showing disruption to protein function in vitro. ACMG/AMP Criteria applied: PS2, PM2, PP3, PS3_supporting (Richards 2015).

OMIM
Classification: Pathogenic for INTELLECTUAL DEVELOPMENTAL DISORDER, X-LINKED 106. Last evaluated: 2022-09-25. Review status: no assertion criteria provided. Collection method: literature only. Allele origin: germline. Not counted in ClinVar's aggregate classification.

Daan van Aalten Lab, University of Dundee
Classification: Pathogenic for MENTAL RETARDATION, X-LINKED 106. Review status: no assertion criteria provided. Collection method: clinical testing. Allele origin: de novo. Affected: yes. Observed: 1 homozygote. Not counted in ClinVar's aggregate classification.

Literature cited by the submitters: PubMed 31627256 (cited by Broad Center for Mendelian Genomics, Broad Institute of MIT and Harvard and OMIM).

NM_181672.3(OGT):c.1942A>T (p.Asn648Tyr)

Gene: OGT (O-linked N-acetylglucosamine (GlcNAc) transferase; plus strand). Cytogenetic location: Xq13.1.
Variant type: single nucleotide variant.
Coding change: c.1942A>T on transcript NM_181672.3 (MANE Select); coding-DNA position 1942, A replaced by T.
Protein change: p.Asn648Tyr; replaces asparagine 648 with tyrosine.
Molecular consequence: missense variant.
Genome position (GRCh38, 1-based): chrX:71,561,865, A>T. VCF-style: chrX-71561865-A-T. GRCh37 (hg19) VCF-style: chrX-70781715-A-T.
Other names: c.1912A>T, p.Asn638Tyr (NM_181673.3); short protein forms N638Y, N648Y.
Identifiers: ClinVar variation 691611 (VCV000691611.5), dbSNP rs1602152230, ClinGen allele CA413561504.